The following is an entry in ClinVar:

ClinVar aggregate classification (germline): Likely benign (1 of 4 stars; one submission).

Allele frequency attached by ClinVar (database versions not stated): gnomAD exomes below 0.00001; TOPMed below 0.00001.
gnomAD v4.1: 1 of 1,613,930 alleles (0.000062%); highest among the groups gnomAD compares: East Asian, 0.0022%; no homozygotes.

Submission:

GeneDx
Classification: Likely benign. Last evaluated: 2016-05-26. Review status: criteria provided, single submitter. Criteria: GeneDx Variant Classification (06012015). Collection method: clinical testing. Allele origin: germline. Affected: yes.
Comment: This variant is considered likely benign or benign based on one or more of the following criteria: it is a conservative change, it occurs at a poorly conserved position in the protein, it is predicted to be benign by multiple in silico algorithms, and/or has population frequency not consistent with disease.

NM_001378120.1(MBD5):c.1762C>T (p.Leu588=)

Gene: MBD5 (methyl-CpG binding domain protein 5; plus strand). Cytogenetic location: 2q23.1.
Variant type: single nucleotide variant.
Coding change: c.1762C>T on transcript NM_001378120.1 (MANE Select); coding-DNA position 1762, C replaced by T.
Protein change: p.Leu588=; no amino-acid change (leucine 588 retained).
Molecular consequence: synonymous variant.
Genome position (GRCh38, 1-based): chr2:148,469,705, C>T. VCF-style: chr2-148469705-C-T. GRCh37 (hg19) VCF-style: chr2-149227274-C-T.
Other names: c.1762C>T, p.Leu588= (NM_018328.5).
Identifiers: ClinVar variation 386437 (VCV000386437.1), dbSNP rs1057522502, ClinGen allele CA16603829.